The following is an entry in ClinVar:

ClinVar aggregate classification (germline): Uncertain significance (1 of 4 stars; one submission).

gnomAD v4.1: 5 of 1,613,964 alleles (0.00031%); highest among the groups gnomAD compares: Admixed American, 0.0083%; no homozygotes.

Submission:

Labcorp Genetics (formerly Invitae), Labcorp
Classification: Uncertain significance. Last evaluated: 2022-04-07. Review status: criteria provided, single submitter. Criteria: Invitae Variant Classification Sherloc (09022015). Collection method: clinical testing. Allele origin: germline.
Comment: In summary, the available evidence is currently insufficient to determine the role of this variant in disease. Therefore, it has been classified as a Variant of Uncertain Significance. Algorithms developed to predict the effect of missense changes on protein structure and function are either unavailable or do not agree on the potential impact of this missense change (SIFT: "Deleterious"; PolyPhen-2: "Probably Damaging"; Align-GVGD: "Class C0"). This variant has not been reported in the literature in individuals affected with ANGPT1-related conditions. This variant is present in population databases (no rsID available, gnomAD 0.01%). This sequence change replaces leucine, which is neutral and non-polar, with isoleucine, which is neutral and non-polar, at codon 261 of the ANGPT1 protein (p.Leu261Ile).

NM_001146.5(ANGPT1):c.781C>A (p.Leu261Ile)

Gene: ANGPT1 (angiopoietin 1; minus strand). Cytogenetic location: 8q23.1.
Variant type: single nucleotide variant.
Coding change: c.781C>A on transcript NM_001146.5 (MANE Select); coding-DNA position 781, C replaced by A.
Protein change: p.Leu261Ile; replaces leucine 261 with isoleucine.
Molecular consequence: missense variant.
Genome position (GRCh38, 1-based): chr8:107,321,923, G>T on the plus strand (C>A on the coding strand, the complement: ANGPT1 is on the minus strand). VCF-style: chr8-107321923-G-T. GRCh37 (hg19) VCF-style: chr8-108334151-G-T.
Other names: c.781C>A, p.Leu261Ile (NM_001199859.3); c.181C>A, p.Leu61Ile (NM_001314051.2); short protein forms L61I, L261I.
Identifiers: ClinVar variation 2112291 (VCV002112291.4), dbSNP rs1240911033, ClinGen allele CA372033637.
Genomic context (GRCh38, chr8:107,321,923, plus strand): 5'-TTAACAATACCAAAGTGAGGAAGACATTCTTACCACCTTCTTTAGTGCAAAGATTGACAA[G>T]GTTGTGGACTGTGTCCATCAGCTCCAGTTGCTGCTTCTGAAGGACACTGTTGTTGGTGGT-3'
Protein context (NP_001137.2, residues 251-271): QLELMDTVHN[Leu261Ile]VNLCTKEGVL